The following is an entry in ClinVar:

ClinVar aggregate classification (germline): Uncertain significance. Review status: criteria provided, multiple submitters, no conflicts (2 of 4 stars). 2 submissions from 2 submitters: Uncertain significance (2). Last evaluated 2023-10-01.

Conditions:
Retinal dystrophy. Also called: Inherited retinal dystrophy. Identifiers: Orphanet 71862, MedGen C0854723, MeSH D058499, MONDO:0019118, HP:0000556.

Allele frequency attached by ClinVar (database versions not stated): TOPMed below 0.00001; gnomAD 0.00001; gnomAD exomes 0.00002.
gnomAD v4.1: 24 of 1,613,192 alleles (0.0015%); highest among the groups gnomAD compares: East Asian, 0.051%; no homozygotes.

Submissions (2):

Dept Of Ophthalmology, Nagoya University
Classification: Uncertain significance for Retinal dystrophy. Last evaluated: 2023-10-01. Review status: criteria provided, single submitter. Criteria: Submitter's publication. Collection method: research. Allele origin: germline. Affected: yes.

Labcorp Genetics (formerly Invitae), Labcorp
Classification: Uncertain significance. Last evaluated: 2022-09-06. Review status: criteria provided, single submitter. Criteria: Invitae Variant Classification Sherloc (09022015). Collection method: clinical testing. Allele origin: germline.
Comment: In summary, the available evidence is currently insufficient to determine the role of this variant in disease. Therefore, it has been classified as a Variant of Uncertain Significance. Algorithms developed to predict the effect of missense changes on protein structure and function are either unavailable or do not agree on the potential impact of this missense change (SIFT: "Deleterious"; PolyPhen-2: "Probably Damaging"; Align-GVGD: "Class C0"). ClinVar contains an entry for this variant (Variation ID: 1355766). This variant has not been reported in the literature in individuals affected with ADGRA3-related conditions. This variant is not present in population databases (gnomAD no frequency). This sequence change replaces proline, which is neutral and non-polar, with histidine, which is basic and polar, at codon 907 of the ADGRA3 protein (p.Pro907His).

NM_145290.4(ADGRA3):c.2720C>A (p.Pro907His)

Gene: ADGRA3 (adhesion G protein-coupled receptor A3; minus strand). Cytogenetic location: 4p15.2.
Variant type: single nucleotide variant.
Coding change: c.2720C>A on transcript NM_145290.4 (MANE Select); coding-DNA position 2720, C replaced by A.
Protein change: p.Pro907His; replaces proline 907 with histidine.
Molecular consequence: missense variant.
Genome position (GRCh38, 1-based): chr4:22,389,091, G>T on the plus strand (C>A on the coding strand, the complement: ADGRA3 is on the minus strand). VCF-style: chr4-22389091-G-T. GRCh37 (hg19) VCF-style: chr4-22390714-G-T.
Other names: short protein forms P907H.
Identifiers: ClinVar variation 1355766 (VCV001355766.9), dbSNP rs915849022, ClinGen allele CA93481581.